The following is an entry in ClinVar:

ClinVar aggregate classification (germline): Uncertain significance. Review status: criteria provided, multiple submitters, no conflicts (2 of 4 stars). 2 submissions from 2 submitters: Uncertain significance (2). Last evaluated 2026-01-27.

Conditions:
Hereditary cancer-predisposing syndrome. Also called: Hereditary Cancer Syndrome; Tumor predisposition; Neoplastic Syndromes, Hereditary; Hereditary neoplastic syndrome. Identifiers: Orphanet 140162, MedGen C0027672, MeSH D009386, MONDO:0015356.
Retinoblastoma (RB1). Also called: RETINOBLASTOMA, SOMATIC. Identifiers: Orphanet 790, MedGen C0035335, MeSH D012175, MONDO:0008380, OMIM 180200, HP:0009919. Disease mechanism: loss of function. Inheritance: Both sporadic and heritable forms are tested..

Submissions (2):

Labcorp Genetics (formerly Invitae), Labcorp
Classification: Uncertain significance for Retinoblastoma. Last evaluated: 2026-01-27. Review status: criteria provided, single submitter. Criteria: Invitae Variant Classification Sherloc (09022015). Collection method: clinical testing. Allele origin: germline.
Comment: This sequence change replaces glutamic acid, which is acidic and polar, with glycine, which is neutral and non-polar, at codon 428 of the RB1 protein (p.Glu428Gly). This variant is not present in population databases (gnomAD no frequency). This variant has not been reported in the literature in individuals affected with RB1-related conditions. ClinVar contains an entry for this variant (Variation ID: 859525). Invitae Evidence Modeling of protein sequence and biophysical properties (such as structural, functional, and spatial information, amino acid conservation, physicochemical variation, residue mobility, and thermodynamic stability) indicates that this missense variant is not expected to disrupt RB1 protein function with a negative predictive value of 80%. In summary, the available evidence is currently insufficient to determine the role of this variant in disease. Therefore, it has been classified as a Variant of Uncertain Significance.

Ambry Genetics
Classification: Uncertain significance for Hereditary cancer-predisposing syndrome. Last evaluated: 2025-12-30. Review status: criteria provided, single submitter. Criteria: Ambry Variant Classification Scheme 2023. Collection method: clinical testing. Allele origin: germline.
Comment: The p.E428G variant (also known as c.1283A>G), located in coding exon 13 of the RB1 gene, results from an A to G substitution at nucleotide position 1283. The glutamic acid at codon 428 is replaced by glycine, an amino acid with similar properties. This amino acid position is not well conserved in available vertebrate species. In addition, the in silico prediction for this alteration is inconclusive. Based on the available evidence, the clinical significance of this variant remains unclear.

NM_000321.3(RB1):c.1283A>G (p.Glu428Gly)

Gene: RB1 (RB transcriptional corepressor 1; plus strand). Cytogenetic location: 13q14.2.
Variant type: single nucleotide variant.
Coding change: c.1283A>G on transcript NM_000321.3 (MANE Select); coding-DNA position 1283, A replaced by G.
Protein change: p.Glu428Gly; replaces glutamic acid 428 with glycine.
Molecular consequence: missense variant.
Genome position (GRCh38, 1-based): chr13:48,376,985, A>G. VCF-style: chr13-48376985-A-G. GRCh37 (hg19) VCF-style: chr13-48951121-A-G.
Other names: short protein forms E428G.
Identifiers: ClinVar variation 859525 (VCV000859525.11), dbSNP rs1952831856, ClinGen allele CA388162086.
Genomic context (GRCh38, chr13:48,376,985, plus strand): 5'-CAGTGAATCCAAAAGAAAGTATACTGAAAAGAGTGAAGGATATAGGATACATCTTTAAAG[A>G]GAAATTTGCTAAAGCTGTGGGACAGGGTTGTGTCGAAATTGGATCACAGGTAACTTGAAT-3'
Protein context (NP_000312.2, residues 418-438): RVKDIGYIFK[Glu428Gly]KFAKAVGQGC